The following is an entry in ClinVar:

ClinVar aggregate classification (germline): Uncertain significance (1 of 4 stars; one submission).

Allele frequency attached by ClinVar (database versions not stated): gnomAD exomes below 0.00001.
gnomAD v4.1: 2 of 1,613,852 alleles (0.00012%); highest among the groups gnomAD compares: Non-Finnish European, 0.00017%; no homozygotes.

Submission:

Labcorp Genetics (formerly Invitae), Labcorp
Classification: Uncertain significance. Last evaluated: 2023-05-15. Review status: criteria provided, single submitter. Criteria: Invitae Variant Classification Sherloc (09022015). Collection method: clinical testing. Allele origin: germline.
Comment: In summary, the available evidence is currently insufficient to determine the role of this variant in disease. Therefore, it has been classified as a Variant of Uncertain Significance. Algorithms developed to predict the effect of sequence changes on RNA splicing suggest that this variant is not likely to affect RNA splicing. This variant has not been reported in the literature in individuals affected with SEMA4A-related conditions. This variant is present in population databases (rs576234607, gnomAD 0.0009%). This sequence change affects codon 438 of the SEMA4A mRNA. It is a 'silent' change, meaning that it does not change the encoded amino acid sequence of the SEMA4A protein. It affects a nucleotide within the consensus splice site.

NM_022367.4(SEMA4A):c.1314C>A (p.Thr438=)

Gene: SEMA4A (semaphorin 4A; plus strand). Cytogenetic location: 1q22.
Variant type: single nucleotide variant.
Coding change: c.1314C>A on transcript NM_022367.4 (MANE Select); coding-DNA position 1314, C replaced by A.
Protein change: p.Thr438=; no amino-acid change (threonine 438 retained).
Molecular consequence: synonymous variant.
Genome position (GRCh38, 1-based): chr1:156,173,005, C>A. VCF-style: chr1-156173005-C-A. GRCh37 (hg19) VCF-style: chr1-156142796-C-A.
Other names: c.1314C>A, p.Thr438= (NM_001193300.2, NM_001193301.2, NM_001370567.1); c.918C>A, p.Thr306= (NM_001193302.2); c.1017C>A, p.Thr339= (NM_001370568.1); c.807C>A, p.Thr269= (NM_001370569.1, NM_001370571.1).
Identifiers: ClinVar variation 2864498 (VCV002864498.3), dbSNP rs576234607, ClinGen allele CA31001149.